The following is an entry in ClinVar:

ClinVar aggregate classification (germline): Uncertain significance (1 of 4 stars; one submission).

Conditions:
Intellectual developmental disorder, autosomal dominant 45. Also called: MENTAL RETARDATION, AUTOSOMAL DOMINANT 45; Intellectual disability, autosomal dominant 45. Identifiers: MedGen C4539848, MONDO:0030910, OMIM 617600.

Submission:

MVZ Medizinische Genetik Mainz
Classification: Uncertain significance for Intellectual developmental disorder, autosomal dominant 45. Last evaluated: 2023-01-24. Review status: criteria provided, single submitter. Criteria: UK Practice Guidelines For Variant Classification V4 01 2020. Collection method: clinical testing. Allele origin: germline. Inheritance: Autosomal dominant inheritance. Affected: yes. Observed: 1 variant allele.
Comment: ACMG Criteria: PM6, PM2_SUP, PP3

NM_001386298.1(CIC):c.1495G>A (p.Gly499Ser)

Gene: CIC (capicua transcriptional repressor; plus strand). Cytogenetic location: 19q13.2.
Variant type: single nucleotide variant.
Coding change: c.1495G>A on transcript NM_001386298.1 (MANE Select); coding-DNA position 1495, G replaced by A.
Protein change: p.Gly499Ser; replaces glycine 499 with serine.
Molecular consequence: missense variant.
Genome position (GRCh38, 1-based): chr19:42,273,278, G>A. VCF-style: chr19-42273278-G-A. GRCh37 (hg19) VCF-style: chr19-42777430-G-A.
Other names: c.1495G>A, p.Gly499Ser (NM_001304815.2, NM_001379480.1, NM_001379482.1 and 1 more transcripts); short protein forms G499S.
Identifiers: ClinVar variation 3066265 (VCV003066265.1), dbSNP rs2513604960, ClinGen allele CA406085006.
Genomic context (GRCh38, chr19:42,273,278, plus strand): 5'-CAGAAGTACAAGAAGGGCGATGTGGTCTGCACACCCAGCGGAATACGAAAGAAGTTCAAC[G>A]GCAAGCAGTGGCGCCGGCTGTGCTCACGAGATGGCTGCATGAAGGAGTCACAGCGGCGAG-3'
Protein context (NP_001373227.1, residues 489-509): TPSGIRKKFN[Gly499Ser]KQWRRLCSRD